The following is an entry in ClinVar:

ClinVar aggregate classification (germline): Pathogenic. Review status: criteria provided, multiple submitters, no conflicts (2 of 4 stars). 5 submissions from 5 submitters: Pathogenic (5). Last evaluated 2025-12-24.

Conditions:
CACNA1F-related disorder. Also called: CACNA1F-related condition.

Allele frequency attached by ClinVar (database versions not stated): gnomAD exomes below 0.00001 and 0.00001.

Submissions (5):

Labcorp Genetics (formerly Invitae), Labcorp
Classification: Pathogenic. Last evaluated: 2025-12-24. Review status: criteria provided, single submitter. Criteria: Invitae Variant Classification Sherloc (09022015). Collection method: clinical testing. Allele origin: germline.
Comment: This sequence change creates a premature translational stop signal (p.Arg513*) in the CACNA1F gene. It is expected to result in an absent or disrupted protein product. Loss-of-function variants in CACNA1F are known to be pathogenic (PMID: 9662399, 11281458, 17525176, 22194652, 24124559, 26992781). The frequency data for this variant in the population databases is considered unreliable, as metrics indicate poor data quality at this position in the gnomAD database. This premature translational stop signal has been observed in individual(s) with cone-rod dystrophy and/or congenital stationary night blindness (PMID: 26992781, 28002560). ClinVar contains an entry for this variant (Variation ID: 497205). For these reasons, this variant has been classified as Pathogenic.

PreventionGenetics, part of Exact Sciences
Classification: Pathogenic for CACNA1F-related condition. Last evaluated: 2025-05-29. Review status: criteria provided, single submitter. Criteria: ACMG Guidelines, 2015. Collection method: clinical testing. Allele origin: germline.
Comment: The CACNA1F c.1537C>T variant is predicted to result in premature protein termination (p.Arg513*). This variant has been reported in many individuals with congenital stationary night blindness (see for examples: Huang et al. 2016. PubMed ID: 26992781; Table S4, Stone et al. 2017. PubMed ID: 28559085; Table S1, Lin et al. 2024. PubMed ID: 38219857). This variant is present in 0.0064% of alleles in individuals of South Asian descent in gnomAD. Nonsense variants in CACNA1F are an established mechanism of disease. This variant is interpreted as pathogenic.

GeneDx
Classification: Pathogenic. Last evaluated: 2025-01-09. Review status: criteria provided, single submitter. Criteria: GeneDx Variant Classification Process June 2021. Collection method: clinical testing. Allele origin: germline.
Comment: Nonsense variant predicted to result in protein truncation or nonsense mediated decay in a gene for which loss of function is a known mechanism of disease; This variant is associated with the following publications: (PMID: 33749171, 25307992, 28559085, 26992781, 32037395, 36284460)

Blueprint Genetics
Classification: Pathogenic for CACNA1F-related disorders. Last evaluated: 2019-02-21. Review status: criteria provided, single submitter. Criteria: ACMG Guidelines, 2015. Collection method: clinical testing. Allele origin: germline. Affected: yes. Observed: 2 variant alleles.

Eurofins Ntd Llc (ga)
Classification: Pathogenic. Last evaluated: 2018-05-21. Review status: criteria provided, single submitter. Criteria: EGL ClinVar v180209 classification definitions. Collection method: clinical testing. Allele origin: germline. Observed: 3 variant alleles, 1 heterozygote, 2 hemizygotes.

Literature cited by the submitters: PubMed 9662399 (cited by Labcorp Genetics (formerly Invitae), Labcorp); PubMed 11281458 (cited by Labcorp Genetics (formerly Invitae), Labcorp); PubMed 17525176 (cited by Labcorp Genetics (formerly Invitae), Labcorp); PubMed 22194652 (cited by Labcorp Genetics (formerly Invitae), Labcorp); PubMed 24124559 (cited by Labcorp Genetics (formerly Invitae), Labcorp); PubMed 26992781 (cited by Labcorp Genetics (formerly Invitae), Labcorp and Eurofins Ntd Llc (ga)); PubMed 28002560 (cited by Labcorp Genetics (formerly Invitae), Labcorp); PubMed 25307992 (cited by Eurofins Ntd Llc (ga)).

NM_001256789.3(CACNA1F):c.1504C>T (p.Arg502Ter)

Gene: CACNA1F (calcium voltage-gated channel subunit alpha1 F; minus strand). Cytogenetic location: Xp11.23.
Variant type: single nucleotide variant.
Coding change: c.1504C>T on transcript NM_001256789.3 (MANE Select); coding-DNA position 1504, C replaced by T.
Protein change: p.Arg502Ter; replaces arginine 502 with a stop codon.
Molecular consequence: nonsense.
Genome position (GRCh38, 1-based): chrX:49,226,056, G>A on the plus strand (C>T on the coding strand, the complement: CACNA1F is on the minus strand). VCF-style: chrX-49226056-G-A. GRCh37 (hg19) VCF-style: chrX-49082518-G-A.
Other names: c.1342C>T, p.Arg448Ter (NM_001256790.3); c.1537C>T, p.Arg513Ter (NM_005183.4); c.1537C>T (NM_005183.2); short protein forms R513*, R448*, R502*.
Identifiers: ClinVar variation 497205 (VCV000497205.15), dbSNP rs1365490247, ClinGen allele CA412916661.